The following is an entry in ClinVar:

NM_024675.4(PALB2):c.583del (p.Glu194_Ile195insTer)

Gene: PALB2 (partner and localizer of BRCA2; minus strand). Cytogenetic location: 16p12.2.
Variant type: Deletion.
Coding change: c.583del on transcript NM_024675.4 (MANE Select); coding-DNA position 583, one base deleted (A; older notation c.583delA).
Protein change: p.Glu194_Ile195insTer.
Molecular consequence: nonsense. On other transcripts: 5 prime UTR variant (8), intron variant (3).
Genome position (GRCh38, 1-based): chr16:23,635,963, T deleted on the plus strand (A on the coding strand, the reverse complement: PALB2 is on the minus strand); the first of 3 consecutive T bases (chr16:23,635,963-23,635,965); deleting any one gives the same sequence. VCF-style (leftmost placement, unchanged base first): chr16-23635962-AT-A. GRCh37 (hg19) VCF-style: chr16-23647283-AT-A.
Other names: c.523del, p.Glu174_Ile175insTer (NM_001407296.1); c.583del, p.Glu194_Ile195insTer (NM_001407297.1, NM_001407298.1, NM_001407299.1 and 3 more transcripts); c.-303del (NM_001407304.1, NM_001407305.1, NM_001407306.1 and 5 more transcripts); c.48+5147del (NM_001407314.1); c.-105+5147del (NM_001407313.1, NM_001407312.1).
Identifiers: ClinVar variation 2673875 (VCV002673875.1), dbSNP rs2506506942, ClinGen allele CA2695197547.
Genomic context (GRCh38, chr16:23,635,962, plus strand): 5'-TCTGTAACTGGTTCTGGAGAATCTGGAAGTTCAGATTTAAGACTTAAAAGGTGAGTTCTT[AT>A]TTCAGTTACTGGTGATCTAGCAGGATTTTTGCTACTGATTTCTTCCTGTTCCTTTAGTCT-3'

ClinVar aggregate classification (germline): Pathogenic (1 of 4 stars; one submission).

Conditions:
Familial cancer of breast. Also called: Hereditary breast cancer; BREAST CANCER, FAMILIAL; hereditary breast carcinoma. Identifiers: Orphanet 227535, MedGen C0346153, MONDO:0016419, OMIM 114480. Disease mechanism: loss of function.

Submission:

Myriad Genetics, Inc.
Classification: Pathogenic for Familial cancer of breast. Last evaluated: 2023-09-06. Review status: criteria provided, single submitter. Criteria: Myriad Autosomal Dominant, Autosomal Recessive and X-Linked Classification Criteria (2023). Collection method: clinical testing. Allele origin: unknown.
Comment: This variant is considered pathogenic. This variant creates a termination codon and is predicted to result in premature protein truncation.